The following is an entry in ClinVar:

ClinVar aggregate classification (germline): Uncertain significance. Review status: criteria provided, multiple submitters, no conflicts (2 of 4 stars). 2 submissions from 2 submitters: Uncertain significance (2). Last evaluated 2025-08-11.

Conditions:
Hereditary cancer-predisposing syndrome. Also called: Neoplastic Syndromes, Hereditary; Hereditary Cancer Syndrome; Hereditary neoplastic syndrome; Tumor predisposition. Identifiers: Orphanet 140162, MedGen C0027672, MeSH D009386, MONDO:0015356.

Allele frequency attached by ClinVar (database versions not stated): gnomAD exomes below 0.00001; ExAC 0.00001.

Submissions (2):

Ambry Genetics
Classification: Uncertain significance for Hereditary cancer-predisposing syndrome. Last evaluated: 2025-08-11. Review status: criteria provided, single submitter. Criteria: Ambry Variant Classification Scheme 2023. Collection method: clinical testing. Allele origin: germline.
Comment: The p.G2240A variant (also known as c.6719G>C), located in coding exon 48 of the POLE gene, results from a G to C substitution at nucleotide position 6719. The glycine at codon 2240 is replaced by alanine, an amino acid with similar properties. This amino acid position is conserved. In addition, this alteration is predicted to be tolerated by in silico analysis. Based on the available evidence, the clinical significance of this variant remains unclear.

Labcorp Genetics (formerly Invitae), Labcorp
Classification: Uncertain significance. Last evaluated: 2022-08-06. Review status: criteria provided, single submitter. Criteria: Invitae Variant Classification Sherloc (09022015). Collection method: clinical testing. Allele origin: germline.
Comment: ClinVar contains an entry for this variant (Variation ID: 1060115). Algorithms developed to predict the effect of missense changes on protein structure and function are either unavailable or do not agree on the potential impact of this missense change (SIFT: "Tolerated"; PolyPhen-2: "Probably Damaging"; Align-GVGD: "Class C0"). This sequence change replaces glycine, which is neutral and non-polar, with alanine, which is neutral and non-polar, at codon 2240 of the POLE protein (p.Gly2240Ala). This variant is present in population databases (rs777051903, gnomAD 0.0009%). This variant has not been reported in the literature in individuals affected with POLE-related conditions. In summary, the available evidence is currently insufficient to determine the role of this variant in disease. Therefore, it has been classified as a Variant of Uncertain Significance.

NM_006231.4(POLE):c.6719G>C (p.Gly2240Ala)

Gene: POLE (DNA polymerase epsilon, catalytic subunit; minus strand). Cytogenetic location: 12q24.33.
Variant type: single nucleotide variant.
Coding change: c.6719G>C on transcript NM_006231.4 (MANE Select); coding-DNA position 6719, G replaced by C.
Protein change: p.Gly2240Ala; replaces glycine 2240 with alanine.
Molecular consequence: missense variant.
Genome position (GRCh38, 1-based): chr12:132,624,933, C>G on the plus strand (G>C on the coding strand, the complement: POLE is on the minus strand). VCF-style: chr12-132624933-C-G. GRCh37 (hg19) VCF-style: chr12-133201519-C-G.
Other names: c.6719G>C (NM_006231.2); short protein forms G2240A.
Identifiers: ClinVar variation 1060115 (VCV001060115.10), dbSNP rs777051903, ClinGen allele CA6892007.